The following is an entry in ClinVar:

NM_017617.5(NOTCH1):c.2377_2379del (p.Asn793del)

Gene: NOTCH1 (notch receptor 1; minus strand). Cytogenetic location: 9q34.3.
Variant type: Deletion.
Coding change: c.2377_2379del on transcript NM_017617.5 (MANE Select); coding-DNA positions 2377 to 2379, 3 bases deleted (AAC; older notation c.2377_2379delAAC).
Protein change: p.Asn793del; deletes asparagine 793.
Molecular consequence: inframe deletion.
Genome position (GRCh38, 1-based): chr9:136,513,109-136,513,111, GTT deleted on the plus strand (AAC on the coding strand, the reverse complement: NOTCH1 is on the minus strand); deleting any 3 consecutive bases within chr9:136,513,109-136,513,112 gives the same sequence; the c. name uses the placement nearest the transcript's 3' end. VCF-style (leftmost placement, unchanged base first): chr9-136513108-CGTT-C. GRCh37 (hg19) VCF-style: chr9-139407560-CGTT-C.
Other names: c.2377_2379del, p.Asn793del (LRG_1122t1); short protein forms N793del.
Identifiers: ClinVar variation 134916 (VCV000134916.5), dbSNP rs587778561, ClinGen allele CA161159.

ClinVar aggregate classification (germline): Uncertain significance. Review status: criteria provided, single submitter (1 of 4 stars). 2 submissions from 2 submitters: Uncertain significance (1). 1 of the submissions does not count toward it. Last evaluated 2025-10-12.

Conditions:
Adams-Oliver syndrome 5 (AOS5). Identifiers: Orphanet 974, MedGen C4014970, MONDO:0014459, OMIM 616028.

Submissions (2):

Labcorp Genetics (formerly Invitae), Labcorp
Classification: Uncertain significance for Adams-Oliver syndrome 5. Last evaluated: 2025-10-12. Review status: criteria provided, single submitter. Criteria: Invitae Variant Classification Sherloc (09022015). Collection method: clinical testing. Allele origin: germline.
Comment: This variant, c.2377_2379del, results in the deletion of 1 amino acid(s) of the NOTCH1 protein (p.Asn793del), but otherwise preserves the integrity of the reading frame. This variant is present in population databases (rs587778561, gnomAD 0.007%). This variant has not been reported in the literature in individuals affected with NOTCH1-related conditions. ClinVar contains an entry for this variant (Variation ID: 134916). Experimental studies and prediction algorithms are not available or were not evaluated, and the functional significance of this variant is currently unknown. In summary, the available evidence is currently insufficient to determine the role of this variant in disease. Therefore, it has been classified as a Variant of Uncertain Significance.

ITMI
No classification provided. Condition: AllHighlyPenetrant. Last evaluated: 2013-09-19. Review status: no classification provided. Collection method: reference population. Allele origin: germline. Not counted in ClinVar's aggregate classification.
Comment: Please see associated publication for description of ethnicities

Literature cited by the submitters: PubMed 24728327 (cited by ITMI).